The following is an entry in ClinVar:

ClinVar aggregate classification (germline): Pathogenic/Likely pathogenic. Review status: criteria provided, multiple submitters, no conflicts (2 of 4 stars). 2 submissions from 2 submitters: Pathogenic (1); Likely pathogenic (1). Last evaluated 2017-02-27.

Conditions:
Cardiovascular phenotype. Identifiers: MedGen CN230736.

Submissions (2):

Ambry Genetics
Classification: Pathogenic for Cardiovascular phenotype. Last evaluated: 2017-02-27. Review status: criteria provided, single submitter. Criteria: Ambry Autosomal Dominant and X-Linked criteria (10/2015). Collection method: clinical testing. Allele origin: germline. Observed: 1 variant allele.
Comment: Ã¢â‚¬â€¹The p.Q175* mutation (also known as c.523C>T), located in coding exon 7 of the TNNI3 gene, results from a C to T substitution at nucleotide position 523. This changes the amino acid from a glutamine to a stop codon within exon 7. Although the mechanism of disease for this gene is not completely understood, other truncating alterations in TNNI3 have been reported in patients with restrictive cardiomyopathy (RCM) and hypertrophic cardiomyopathy (HCM) (Kaski JP et al. Heart. 2008;94(11):1478-84; Kostareva A et al. Int J Cardiol. 2009;131(3):410-2; Olivotto I et al. J Am Coll Cardiol. 2011;58(8):839-48; van den Wijngaard A et al. Neth Heart J. 2011;19(7-8):344-51). Based on the supporting evidence, this alteration is interpreted as a disease-causing mutation.

Stanford Center for Inherited Cardiovascular Disease, Stanford University
Classification: Likely pathogenic. Last evaluated: 2013-08-06. Review status: criteria provided, single submitter. Criteria: ACMG Guidelines, 2015. Collection method: provider interpretation. Allele origin: germline.

NM_000363.5(TNNI3):c.523C>T (p.Gln175Ter)

Gene: TNNI3 (troponin I3, cardiac type; minus strand). Cytogenetic location: 19q13.42.
Variant type: single nucleotide variant.
Coding change: c.523C>T on transcript NM_000363.5 (MANE Select); coding-DNA position 523, C replaced by T.
Protein change: p.Gln175Ter; replaces glutamine 175 with a stop codon.
Molecular consequence: nonsense.
Genome position (GRCh38, 1-based): chr19:55,154,056, G>A on the plus strand (C>T on the coding strand, the complement: TNNI3 is on the minus strand). VCF-style: chr19-55154056-G-A. GRCh37 (hg19) VCF-style: chr19-55665424-G-A.
Other names: p.(Gln175Ter); c.523C>T (LRG_432t1); short protein forms Q175*.
Identifiers: ClinVar variation 235062 (VCV000235062.4), dbSNP rs876661394, ClinGen allele CA10581187.
Genomic context (GRCh38, chr19:55,154,056, plus strand): 5'-AGCATCCTCTTTCCTGGCCTTAGCCCACACTCACCTTCTCGGTGTCCTCCTTCTTCACCT[G>A]CTTGAGGTGGGCCCGCAGGTCCAGGGACTCCTTAGCCCGGGCCCCCAGCAGCGCCTGCAT-3'